The following is an entry in ClinVar:

ClinVar aggregate classification (germline): Conflicting classifications of pathogenicity. Review status: criteria provided, conflicting classifications (1 of 4 stars). 4 submissions from 4 submitters: Uncertain significance (2); Likely benign (1). 1 of the submissions does not count toward it. Last evaluated 2025-08-04.

Conditions:
Schimke immuno-osseous dysplasia (SIOD). Also called: Schimke Immunoosseous Dysplasia. Identifiers: Orphanet 1830, MedGen C0877024, MONDO:0009458, OMIM 242900.
Inborn genetic diseases. Identifiers: MedGen C0950123, MeSH D030342.

Allele frequency attached by ClinVar (database versions not stated): ESP Exome Variant Server 0.00008; ExAC 0.00001; gnomAD exomes 0.00001 and 0.00002; TOPMed 0.00001.
gnomAD v4.1: 25 of 1,614,236 alleles (0.0015%); highest among the groups gnomAD compares: East Asian, 0.0089%; no homozygotes.

Submissions (4):

Ambry Genetics
Classification: Likely benign for Inborn genetic diseases. Last evaluated: 2025-08-04. Review status: criteria provided, single submitter. Criteria: Ambry Variant Classification Scheme 2023. Collection method: clinical testing. Allele origin: germline.

Fulgent Genetics
Classification: Uncertain significance for Schimke immuno-osseous dysplasia. Last evaluated: 2022-01-05. Review status: criteria provided, single submitter. Criteria: ACMG Guidelines, 2015. Collection method: clinical testing. Allele origin: unknown.

Labcorp Genetics (formerly Invitae), Labcorp
Classification: Uncertain significance for Schimke immuno-osseous dysplasia. Last evaluated: 2021-08-27. Review status: criteria provided, single submitter. Criteria: Invitae Variant Classification Sherloc (09022015). Collection method: clinical testing. Allele origin: germline.
Comment: This sequence change replaces valine with isoleucine at codon 242 of the SMARCAL1 protein (p.Val242Ile). The valine residue is weakly conserved and there is a small physicochemical difference between valine and isoleucine. This variant is present in population databases (rs375140716, ExAC 0.001%). This variant has not been reported in the literature in individuals affected with SMARCAL1-related conditions. Algorithms developed to predict the effect of missense changes on protein structure and function output the following: SIFT: "Tolerated"; PolyPhen-2: "Benign"; Align-GVGD: "Class C0". The isoleucine amino acid residue is found in multiple mammalian species, which suggests that this missense change does not adversely affect protein function. In summary, the available evidence is currently insufficient to determine the role of this variant in disease. Therefore, it has been classified as a Variant of Uncertain Significance.

Natera, Inc.
Classification: Uncertain significance for Schimke immuno-osseous dysplasia. Last evaluated: 2019-11-15. Review status: no assertion criteria provided. Collection method: clinical testing. Allele origin: germline. Not counted in ClinVar's aggregate classification.

NM_014140.4(SMARCAL1):c.724G>A (p.Val242Ile)

Gene: SMARCAL1 (SNF2 related chromatin remodeling annealing helicase 1; plus strand). Cytogenetic location: 2q35.
Variant type: single nucleotide variant.
Coding change: c.724G>A on transcript NM_014140.4 (MANE Select); coding-DNA position 724, G replaced by A.
Protein change: p.Val242Ile; replaces valine 242 with isoleucine.
Molecular consequence: missense variant.
Genome position (GRCh38, 1-based): chr2:216,415,428, G>A. VCF-style: chr2-216415428-G-A. GRCh37 (hg19) VCF-style: chr2-217280151-G-A.
Other names: c.724G>A, p.Val242Ile (NM_001127207.2); short protein forms V242I.
Identifiers: ClinVar variation 964662 (VCV000964662.8), dbSNP rs375140716, ClinGen allele CA2097644.